The following is an entry in ClinVar:

NM_005431.2(XRCC2):c.-36A>C

Gene: XRCC2 (X-ray repair cross complementing 2; minus strand). Cytogenetic location: 7q36.1.
Variant type: single nucleotide variant.
Coding change: c.-36A>C on transcript NM_005431.2 (MANE Select); 36 bases upstream of the start codon, A replaced by C.
Molecular consequence: 5 prime UTR variant.
Genome position (GRCh38, 1-based): chr7:152,676,115, T>G on the plus strand (A>C on the coding strand, the complement: XRCC2 is on the minus strand). VCF-style: chr7-152676115-T-G. GRCh37 (hg19) VCF-style: chr7-152373200-T-G.
Identifiers: ClinVar variation 381293 (VCV000381293.1), dbSNP rs781776971, ClinGen allele CA4582463.

ClinVar aggregate classification (germline): Likely benign (1 of 4 stars; one submission).

gnomAD v4.1: 12 of 1,612,944 alleles (0.00074%); highest among the groups gnomAD compares: Admixed American, 0.0067%; no homozygotes.

Submission:

GeneDx
Classification: Likely benign. Last evaluated: 2015-10-28. Review status: criteria provided, single submitter. Criteria: GeneDx Variant Classification (06012015). Collection method: clinical testing. Allele origin: germline. Affected: yes.
Comment: This variant is considered likely benign or benign based on one or more of the following criteria: it is a conservative change, it occurs at a poorly conserved position in the protein, it is predicted to be benign by multiple in silico algorithms, and/or has population frequency not consistent with disease.